The following is an entry in ClinVar:

NM_001048174.2(MUTYH):c.179G>C (p.Arg60Thr)

Gene: MUTYH (mutY DNA glycosylase; minus strand). Cytogenetic location: 1p34.1.
Variant type: single nucleotide variant.
Coding change: c.179G>C on transcript NM_001048174.2 (MANE Select); coding-DNA position 179, G replaced by C.
Protein change: p.Arg60Thr; replaces arginine 60 with threonine.
Molecular consequence: missense variant. On other transcripts: 5 prime UTR variant (1), non-coding transcript variant (5), splice acceptor variant (5).
Genome position (GRCh38, 1-based): chr1:45,333,498, C>G on the plus strand (G>C on the coding strand, the complement: MUTYH is on the minus strand). VCF-style: chr1-45333498-C-G. GRCh37 (hg19) VCF-style: chr1-45799170-C-G.
Other names: c.179G>C, p.Arg60Thr (NM_001048171.2, NM_001048173.2, NM_001293195.2 and 6 more transcripts); c.182G>C, p.Arg61Thr (NM_001048172.2, NM_001407071.1, NM_001407078.1 and 2 more transcripts); c.263G>C, p.Arg88Thr (NM_001128425.2); c.224G>C, p.Arg75Thr (NM_001293190.2); c.212G>C, p.Arg71Thr (NM_001293191.2, NM_001407077.1); c.-93G>C (NM_001350650.2); c.254G>C, p.Arg85Thr (NM_001407069.1, NM_012222.3); c.221G>C, p.Arg74Thr (NM_001407073.1, NM_001407083.1, NM_001407085.1); and 4 more; short protein forms R67T, R88T, R60T, R74T, R61T, R71T, R75T, R85T.
Identifiers: ClinVar variation 2567633 (VCV002567633.3), dbSNP rs2524275031, ClinGen allele CA340136498.

ClinVar aggregate classification (germline): Likely pathogenic (1 of 4 stars; one submission).

Conditions:
Hereditary cancer-predisposing syndrome. Also called: Hereditary neoplastic syndrome; Hereditary Cancer Syndrome; Neoplastic Syndromes, Hereditary; Tumor predisposition. Identifiers: Orphanet 140162, MedGen C0027672, MeSH D009386, MONDO:0015356.

Submission:

Ambry Genetics
Classification: Likely pathogenic for Hereditary cancer-predisposing syndrome. Last evaluated: 2024-08-06. Review status: criteria provided, single submitter. Criteria: Ambry Variant Classification Scheme 2023. Collection method: clinical testing. Allele origin: germline.
Comment: The c.263G>C variant (also known as p.R88T), located in coding exon 3 of the MUTYH gene, results from a G to C substitution at nucleotide position 263. The arginine at codon 88 is replaced by threonine, an amino acid with similar properties. This nucleotide position is not well conserved in available vertebrate species. In silico splice site analysis predicts that this alteration will result in the creation or strengthening of a novel splice acceptor site. RNA studies have demonstrated that this alteration results in abnormal splicing in the set of samples tested (Ambry internal data). Based on the majority of available evidence to date, this variant is likely to be pathogenic.